The following is an entry in ClinVar:

ClinVar aggregate classification (germline): Uncertain significance. Review status: criteria provided, multiple submitters, no conflicts (2 of 4 stars). 2 submissions from 2 submitters: Uncertain significance (2). Last evaluated 2022-04-19.

Conditions:
Hereditary cancer-predisposing syndrome. Also called: Neoplastic Syndromes, Hereditary; Hereditary Cancer Syndrome; Hereditary neoplastic syndrome; Tumor predisposition. Identifiers: Orphanet 140162, MedGen C0027672, MeSH D009386, MONDO:0015356.

Submissions (2):

Ambry Genetics
Classification: Uncertain significance for Hereditary cancer-predisposing syndrome. Last evaluated: 2022-04-19. Review status: criteria provided, single submitter. Criteria: Ambry Variant Classification Scheme 2023. Collection method: clinical testing. Allele origin: germline.
Comment: The p.K230R variant (also known as c.689A>G), located in coding exon 5 of the RAD50 gene, results from an A to G substitution at nucleotide position 689. The lysine at codon 230 is replaced by arginine, an amino acid with highly similar properties. This amino acid position is conserved. In addition, this alteration is predicted to be tolerated by in silico analysis. Since supporting evidence is limited at this time, the clinical significance of this alteration remains unclear.

Labcorp Genetics (formerly Invitae), Labcorp
Classification: Uncertain significance for Hereditary cancer-predisposing syndrome. Last evaluated: 2021-11-26. Review status: criteria provided, single submitter. Criteria: Invitae Variant Classification Sherloc (09022015). Collection method: clinical testing. Allele origin: germline.
Comment: In summary, the available evidence is currently insufficient to determine the role of this variant in disease. Therefore, it has been classified as a Variant of Uncertain Significance. Algorithms developed to predict the effect of missense changes on protein structure and function (SIFT, PolyPhen-2, Align-GVGD) all suggest that this variant is likely to be tolerated. ClinVar contains an entry for this variant (Variation ID: 1059150). This variant has not been reported in the literature in individuals affected with RAD50-related conditions. This variant is not present in population databases (gnomAD no frequency). This sequence change replaces lysine, which is basic and polar, with arginine, which is basic and polar, at codon 230 of the RAD50 protein (p.Lys230Arg).

NM_005732.4(RAD50):c.689A>G (p.Lys230Arg)

Gene: RAD50 (RAD50 double strand break repair protein; plus strand). Cytogenetic location: 5q31.1.
Variant type: single nucleotide variant.
Coding change: c.689A>G on transcript NM_005732.4 (MANE Select); coding-DNA position 689, A replaced by G.
Protein change: p.Lys230Arg; replaces lysine 230 with arginine.
Molecular consequence: missense variant.
Genome position (GRCh38, 1-based): chr5:132,579,999, A>G. VCF-style: chr5-132579999-A-G. GRCh37 (hg19) VCF-style: chr5-131915691-A-G.
Other names: short protein forms K230R.
Identifiers: ClinVar variation 1059150 (VCV001059150.9), dbSNP rs2149838018, ClinGen allele CA360936555.